The following is an entry in ClinVar:

ClinVar aggregate classification (germline): Uncertain significance (1 of 4 stars; one submission).

Submission:

GeneDx
Classification: Uncertain significance. Last evaluated: 2026-10-02. Review status: criteria provided, single submitter. Criteria: GeneDx Variant Classification Process June 2021. Collection method: clinical testing. Allele origin: germline.
Comment: Identified with a second CDH23 variant, phase unknown, in a proband with hearing loss (PMID: 36504663); Not observed at significant frequency in large population cohorts (gnomAD); In silico analysis is inconclusive as to whether the variant alters gene splicing. In the absence of RNA/functional studies, the actual effect of this sequence change is unknown; This variant is associated with the following publications: (PMID: 36504663)

NM_022124.6(CDH23):c.3579+5G>A

Genes: C10orf105 (chromosome 10 open reading frame 105; minus strand), CDH23 (cadherin related 23; plus strand), LOC126860953 (CDK7 strongly-dependent group 2 enhancer GRCh37_chr10:73485282-73486481; plus strand). Cytogenetic location: 10q22.1.
Variant type: single nucleotide variant.
Coding change: c.3579+5G>A on transcript NM_022124.6 (MANE Select); 5 bases into the intron after coding-DNA position 3579, G replaced by A.
Molecular consequence: intron variant.
Genome position (GRCh38, 1-based): chr10:71,725,525, G>A. VCF-style: chr10-71725525-G-A. GRCh37 (hg19) VCF-style: chr10-73485282-G-A.
Other names: c.3579+5G>A (NM_001171930.2); c.-5-9183C>T (NM_001168390.2).
Identifiers: ClinVar variation 4055823 (VCV004055823.2).